The following is an entry in ClinVar:

NM_003500.4(ACOX2):c.1960C>T (p.Gln654Ter)

Gene: ACOX2 (acyl-CoA oxidase 2; minus strand). Cytogenetic location: 3p14.3.
Variant type: single nucleotide variant.
Coding change: c.1960C>T on transcript NM_003500.4 (MANE Select); coding-DNA position 1960, C replaced by T.
Protein change: p.Gln654Ter; replaces glutamine 654 with a stop codon.
Molecular consequence: nonsense.
Genome position (GRCh38, 1-based): chr3:58,508,916, G>A on the plus strand (C>T on the coding strand, the complement: ACOX2 is on the minus strand). VCF-style: chr3-58508916-G-A. GRCh37 (hg19) VCF-style: chr3-58494643-G-A.
Other names: short protein forms Q654*.
Identifiers: ClinVar variation 4978856 (VCV004978856.1).

ClinVar aggregate classification (germline): Uncertain significance (1 of 4 stars; one submission).

Conditions:
ACOX2-related disorder. Also called: ACOX2-related condition.

gnomAD v4.1: 24 of 1,614,072 alleles (0.0015%); highest among the groups gnomAD compares: Non-Finnish European, 0.0019%; no homozygotes.

Submission:

PreventionGenetics, part of Exact Sciences
Classification: Uncertain significance for ACOX2-related condition. Last evaluated: 2026-08-30. Review status: criteria provided, single submitter. Criteria: ACMG Guidelines, 2015. Collection method: clinical testing. Allele origin: germline.
Comment: The ACOX2 c.1960C>T variant is predicted to result in premature protein termination (p.Gln654*). This variant is located is near the 3′ end of the penultimate exon and may escape nonsense mediated decay (NMD). To our knowledge, this variant has not been reported in the literature and no nearby or downstream variants have been reported in individuals with ACOX2-related disease. This variant is reported in 0.0062% of alleles in individuals of African descent in gnomAD. Although we suspect that this variant may be pathogenic, at this time, the clinical significance of this variant is uncertain due to the absence of conclusive functional and genetic evidence.